The following is an entry in ClinVar:

ClinVar aggregate classification (germline): Uncertain significance (1 of 4 stars; one submission).

Allele frequency attached by ClinVar (database versions not stated): gnomAD exomes below 0.00001.
gnomAD v4.1: 1 of 1,613,802 alleles (0.000062%); highest among the groups gnomAD compares: Non-Finnish European, 0.000085%; no homozygotes.

Submission:

Ambry Genetics
Classification: Uncertain significance. Last evaluated: 2022-08-09. Review status: criteria provided, single submitter. Criteria: Ambry Variant Classification Scheme 2023. Collection method: clinical testing. Allele origin: germline.
Comment: The p.T2179S variant (also known as c.6535A>T), located in coding exon 21 of the POLQ gene, results from an A to T substitution at nucleotide position 6535. The threonine at codon 2179 is replaced by serine, an amino acid with similar properties. This amino acid position is conserved. In addition, the in silico prediction for this alteration is inconclusive. Since supporting evidence is limited at this time, the clinical significance of this alteration remains unclear.

NM_199420.4(POLQ):c.6535A>T (p.Thr2179Ser)

Gene: POLQ (DNA polymerase theta; minus strand). Cytogenetic location: 3q13.33.
Variant type: single nucleotide variant.
Coding change: c.6535A>T on transcript NM_199420.4 (MANE Select); coding-DNA position 6535, A replaced by T.
Protein change: p.Thr2179Ser; replaces threonine 2179 with serine.
Molecular consequence: missense variant.
Genome position (GRCh38, 1-based): chr3:121,473,358, T>A on the plus strand (A>T on the coding strand, the complement: POLQ is on the minus strand). VCF-style: chr3-121473358-T-A. GRCh37 (hg19) VCF-style: chr3-121192205-T-A.
Other names: short protein forms T2179S.
Identifiers: ClinVar variation 1754083 (VCV001754083.2), dbSNP rs542732677, ClinGen allele CA354085769.